The following is an entry in ClinVar:

NM_001376.5(DYNC1H1):c.10550C>T (p.Ala3517Val)

Gene: DYNC1H1 (dynein cytoplasmic 1 heavy chain 1; plus strand). Cytogenetic location: 14q32.31.
Variant type: single nucleotide variant.
Coding change: c.10550C>T on transcript NM_001376.5 (MANE Select); coding-DNA position 10550, C replaced by T.
Protein change: p.Ala3517Val; replaces alanine 3517 with valine.
Molecular consequence: missense variant.
Genome position (GRCh38, 1-based): chr14:102,034,112, C>T. VCF-style: chr14-102034112-C-T. GRCh37 (hg19) VCF-style: chr14-102500449-C-T.
Other names: short protein forms A3517V.
Identifiers: ClinVar variation 2585064 (VCV002585064.3), dbSNP rs1165122605, ClinGen allele CA391027208.

ClinVar aggregate classification (germline): Uncertain significance. Review status: criteria provided, multiple submitters, no conflicts (2 of 4 stars). 2 submissions from 2 submitters: Uncertain significance (2). Last evaluated 2025-04-14.

Conditions:
Charcot-Marie-Tooth disease axonal type 2O. Also called: CHARCOT-MARIE-TOOTH NEUROPATHY, AXONAL, TYPE 2O; CHARCOT-MARIE-TOOTH DISEASE, AXONAL, AUTOSOMAL DOMINANT, TYPE 2O; Charcot-Marie-Tooth Neuropathy Type 2O; Charcot-Marie-Tooth disease, axonal, type 20. Identifiers: Orphanet 284232, MedGen C3280220, MONDO:0013644, OMIM 614228.
Cortical dysplasia, complex, with other brain malformations 13. Also called: Intellectual disability, autosomal dominant 13. Identifiers: MedGen C3281202, MONDO:0013805, OMIM 614563.

Allele frequency attached by ClinVar (database versions not stated): gnomAD exomes below 0.00001.

Submissions (2):

Labcorp Genetics (formerly Invitae), Labcorp
Classification: Uncertain significance for Charcot-Marie-Tooth disease axonal type 2O. Last evaluated: 2025-04-14. Review status: criteria provided, single submitter. Criteria: Invitae Variant Classification Sherloc (09022015). Collection method: clinical testing. Allele origin: germline.
Comment: This sequence change replaces alanine, which is neutral and non-polar, with valine, which is neutral and non-polar, at codon 3517 of the DYNC1H1 protein (p.Ala3517Val). This variant is present in population databases (no rsID available, gnomAD 0.007%). This variant has not been reported in the literature in individuals affected with DYNC1H1-related conditions. ClinVar contains an entry for this variant (Variation ID: 2585064). Invitae Evidence Modeling of protein sequence and biophysical properties (such as structural, functional, and spatial information, amino acid conservation, physicochemical variation, residue mobility, and thermodynamic stability) has been performed for this missense variant. However, the output from this modeling did not meet the statistical confidence thresholds required to predict the impact of this variant on DYNC1H1 protein function. In summary, the available evidence is currently insufficient to determine the role of this variant in disease. Therefore, it has been classified as a Variant of Uncertain Significance.

Neuberg Centre For Genomic Medicine, NCGM
Classification: Uncertain significance for Cortical dysplasia, complex, with other brain malformations 13. Review status: criteria provided, single submitter. Criteria: ACMG Guidelines, 2015. Collection method: clinical testing. Allele origin: germline. Inheritance: Autosomal dominant inheritance. Affected: yes.
Comment: The missense variant c.10550C>T(p.Ala3517Val) in DYNC1H1 gene has not been reported previously as a pathogenic variant nor as a benign variant, to our knowledge. The p.Ala3517Val variant is novel (not in any individuals) in 1000 Genomes and has allele frequency of 0.0008% in gnomAD database. This variant has not been reported to the ClinVar database. The amino acid Ala at position 3517 is changed to a Val changing protein sequence and it might alter its composition and physico-chemical properties. For these reasons, this variant has been classified as Uncertain Significance (VUS).